The following is an entry in ClinVar:

NM_000238.4(KCNH2):c.65T>C (p.Phe22Ser)

Gene: KCNH2 (potassium voltage-gated channel subfamily H member 2; minus strand). Cytogenetic location: 7q36.1.
Variant type: single nucleotide variant.
Coding change: c.65T>C on transcript NM_000238.4 (MANE Select); coding-DNA position 65, T replaced by C.
Protein change: p.Phe22Ser; replaces phenylalanine 22 with serine.
Molecular consequence: missense variant.
Genome position (GRCh38, 1-based): chr7:150,977,849, A>G on the plus strand (T>C on the coding strand, the complement: KCNH2 is on the minus strand). VCF-style: chr7-150977849-A-G. GRCh37 (hg19) VCF-style: chr7-150674937-A-G.
Other names: c.65T>C (LRG_288t1); c.65T>C, p.Phe22Ser (NM_172056.3); short protein forms F22S.
Identifiers: ClinVar variation 67517 (VCV000067517.3), dbSNP rs199472826, ClinGen allele CA008663.
Genomic context (GRCh38, chr7:150,977,849, plus strand): 5'-CGGCCCGCCCCCAGAGCCCCCTCCCCGCTCAGCCCCCTCCCCCACTCACTCTGGCCCTCA[A>G]ACTTGCGGATGATGGTGTCCAGGAAGGTGTTCTGCGGCGCGACGTGGCCCCTCCGCACCG-3'
Protein context (NP_000229.1, residues 12-32): NTFLDTIIRK[Phe22Ser]EGQSRKFIIA

ClinVar aggregate classification (germline): not provided (0 of 4 stars; one submission).

Conditions:
Familial long QT syndrome (RWS). Also called: Congenital long QT syndrome; Romano-Ward syndrome; VENTRICULAR FIBRILLATION WITH PROLONGED QT INTERVAL. Identifiers: Orphanet 768, MedGen C1141890, MONDO:0019171.

Submission:

Cardiovascular Biomedical Research Unit, Royal Brompton & Harefield NHS Foundation Trust
No classification provided. Condition: Familial long QT syndrome. Review status: no classification provided. Collection method: literature only. Allele origin: germline.
Comment: This variant has been reported as associated with Long QT syndrome in the following publications (PMID:19862833). This is a literature report, and does not necessarily reflect the clinical interpretation of the Imperial College / Royal Brompton Cardiovascular Genetics laboratory.

Literature cited by the submitters: PubMed 19862833; PubMed 22581653.